The following is an entry in ClinVar:

NM_001164508.2(NEB):c.8712G>A (p.Trp2904Ter)

Gene: NEB (nebulin; minus strand). Cytogenetic location: 2q23.3.
Variant type: single nucleotide variant.
Coding change: c.8712G>A on transcript NM_001164508.2 (MANE Select); coding-DNA position 8712, G replaced by A.
Protein change: p.Trp2904Ter; replaces tryptophan 2904 with a stop codon.
Molecular consequence: nonsense.
Genome position (GRCh38, 1-based): chr2:151,640,034, C>T on the plus strand (G>A on the coding strand, the complement: NEB is on the minus strand). VCF-style: chr2-151640034-C-T. GRCh37 (hg19) VCF-style: chr2-152496548-C-T.
Other names: c.8712G>A, p.Trp2904Ter (NM_001164507.2, NM_001271208.2, NM_004543.5); short protein forms W2904*.
Identifiers: ClinVar variation 4058424 (VCV004058424.2).

ClinVar aggregate classification (germline): Pathogenic (1 of 4 stars; one submission).

Conditions:
Nemaline myopathy 2 (NEM2). Also called: Nemaline myopathy 2, autosomal recessive. Identifiers: MedGen C1850569, MONDO:0009725, OMIM 256030.

Submission:

Natera, Inc.
Classification: Pathogenic for Nemaline myopathy type 2. Last evaluated: 2025-05-27. Review status: criteria provided, single submitter. Criteria: Natera Variant Classification Schema (03/2026). Collection method: clinical testing. Allele origin: germline.
Comment: The c.8712G>A variant in NEB is a nonsense variant predicted to introduce a stop codon at amino acid 2904. This variant is expected to result in nonsense mediated decay, truncation, or a dysfunctional protein product. This variant is rare in the general population with a frequency below the threshold expected for the associated phenotype(s). This variant has been observed in one or more individuals affected with the associated recessive disease, as either homozygous or compound heterozygous with a second variant (PMID: 36360323). Given the available evidence, this variant is classified as Pathogenic.

Literature cited by the submitters: PubMed 36360323.